The following is an entry in ClinVar:

NM_001001433.3(STX16):c.655A>G (p.Thr219Ala)

Genes: STX16 (syntaxin 16; plus strand), STX16-NPEPL1 (STX16-NPEPL1 readthrough (NMD candidate); plus strand). Cytogenetic location: 20q13.32.
Variant type: single nucleotide variant.
Coding change: c.655A>G on transcript NM_001001433.3 (MANE Select); coding-DNA position 655, A replaced by G.
Protein change: p.Thr219Ala; replaces threonine 219 with alanine.
Molecular consequence: missense variant. On other transcripts: non-coding transcript variant (4).
Genome position (GRCh38, 1-based): chr20:58,671,160, A>G. VCF-style: chr20-58671160-A-G. GRCh37 (hg19) VCF-style: chr20-57246216-A-G.
Other names: c.643A>G, p.Thr215Ala (NM_001134772.3); c.604A>G, p.Thr202Ala (NM_001134773.3); c.496A>G, p.Thr166Ala (NM_001204868.2); c.592A>G, p.Thr198Ala (NM_003763.6); short protein forms T166A, T202A, T198A, T219A, T215A.
Identifiers: ClinVar variation 3781293 (VCV003781293.1).

ClinVar aggregate classification (germline): Uncertain significance (1 of 4 stars; one submission).

gnomAD v4.1: 1 of 1,613,802 alleles (0.000062%); highest among the groups gnomAD compares: Non-Finnish European, 0.000085%; no homozygotes.

Submission:

GeneDx
Classification: Uncertain significance. Last evaluated: 2024-10-20. Review status: criteria provided, single submitter. Criteria: GeneDx Variant Classification Process June 2021. Collection method: clinical testing. Allele origin: germline. Affected: yes.
Comment: In silico analysis supports that this missense variant has a deleterious effect on protein structure/function; Not observed at significant frequency in large population cohorts (gnomAD); Has not been previously published as pathogenic or benign to our knowledge